The following is an entry in ClinVar:

ClinVar aggregate classification (germline): Conflicting classifications of pathogenicity. Review status: criteria provided, conflicting classifications (1 of 4 stars). 3 submissions from 3 submitters: Uncertain significance (2); Likely benign (1). Last evaluated 2025-02-06.

Conditions:
PCNT-related disorder. Also called: PCNT-related condition.

Allele frequency attached by ClinVar (database versions not stated): ExAC 0.00004; gnomAD exomes 0.00006; TOPMed 0.00008; gnomAD 0.00010.
gnomAD v4.1: 108 of 1,614,116 alleles (0.0067%); highest among the groups gnomAD compares: East Asian, 0.04%; no homozygotes.

Submissions (3):

PreventionGenetics, part of Exact Sciences
Classification: Uncertain significance for PCNT-related condition. Last evaluated: 2025-02-06. Review status: criteria provided, single submitter. Criteria: ACMG Guidelines, 2015. Collection method: clinical testing. Allele origin: germline.
Comment: The PCNT c.3749G>A variant is predicted to result in the amino acid substitution p.Arg1250Gln. To our knowledge, this variant has not been reported in the literature. This variant is reported in 0.060% of alleles in individuals of East Asian descent in gnomAD, which may be too common to be a primary cause of disease. Although we suspect that this variant may be benign, at this time, the clinical significance of this variant is uncertain due to the absence of conclusive functional and genetic evidence.

Labcorp Genetics (formerly Invitae), Labcorp
Classification: Uncertain significance. Last evaluated: 2022-03-23. Review status: criteria provided, single submitter. Criteria: Invitae Variant Classification Sherloc (09022015). Collection method: clinical testing. Allele origin: germline.
Comment: This sequence change replaces arginine, which is basic and polar, with glutamine, which is neutral and polar, at codon 1250 of the PCNT protein (p.Arg1250Gln). This variant is present in population databases (rs202005598, gnomAD 0.06%). This variant has not been reported in the literature in individuals affected with PCNT-related conditions. ClinVar contains an entry for this variant (Variation ID: 680449). Algorithms developed to predict the effect of missense changes on protein structure and function output the following: SIFT: "Tolerated"; PolyPhen-2: "Benign"; Align-GVGD: "Class C0". The glutamine amino acid residue is found in multiple mammalian species, which suggests that this missense change does not adversely affect protein function. In summary, the available evidence is currently insufficient to determine the role of this variant in disease. Therefore, it has been classified as a Variant of Uncertain Significance.

GeneDx
Classification: Likely benign. Last evaluated: 2018-03-21. Review status: criteria provided, single submitter. Criteria: GeneDx Variant Classification (06012015). Collection method: clinical testing. Allele origin: germline. Affected: yes.
Comment: This variant is considered likely benign or benign based on one or more of the following criteria: it is a conservative change, it occurs at a poorly conserved position in the protein, it is predicted to be benign by multiple in silico algorithms, and/or has population frequency not consistent with disease.

NM_006031.6(PCNT):c.3749G>A (p.Arg1250Gln)

Gene: PCNT (pericentrin; plus strand). Cytogenetic location: 21q22.3.
Variant type: single nucleotide variant.
Coding change: c.3749G>A on transcript NM_006031.6 (MANE Select); coding-DNA position 3749, G replaced by A.
Protein change: p.Arg1250Gln; replaces arginine 1250 with glutamine.
Molecular consequence: missense variant.
Genome position (GRCh38, 1-based): chr21:46,389,340, G>A. VCF-style: chr21-46389340-G-A. GRCh37 (hg19) VCF-style: chr21-47809255-G-A.
Other names: c.3395G>A, p.Arg1132Gln (NM_001315529.2); short protein forms R1132Q, R1250Q.
Identifiers: ClinVar variation 680449 (VCV000680449.4), dbSNP rs202005598, ClinGen allele CA10079434.